The following is an entry in ClinVar:

ClinVar aggregate classification (germline): Likely pathogenic. Review status: criteria provided, multiple submitters, no conflicts (2 of 4 stars). 2 submissions from 2 submitters: Likely pathogenic (2). Last evaluated 2024-12-10.

Conditions:
Hereditary spherocytosis type 1. Also called: Spherocytosis type 1; ANK1-Related Spherocytosis. Identifiers: Orphanet 822, MedGen C2674218, MONDO:0008447, OMIM 182900.

Submissions (2):

ARUP Laboratories, Molecular Genetics and Genomics, ARUP Laboratories
Classification: Likely pathogenic for Hereditary spherocytosis type 1. Last evaluated: 2024-12-10. Review status: criteria provided, single submitter. Criteria: ARUP Molecular Germline Variant Investigation Process 2024. Collection method: clinical testing. Allele origin: germline.
Comment: The ANK1 c.5500C>T; p.Gln1834Ter variant, to our knowledge, is not reported in the medical literature but is reported in ClinVar (Variation ID: 2690514). This variant is also absent from the Genome Aggregation Database (v2.1.1), indicating it is not a common polymorphism. This variant induces an early termination codon and is predicted to result in a truncated protein or mRNA subject to nonsense-mediated decay. Based on available information, this variant is considered to be likely pathogenic.

Revvity Omics, Revvity
Classification: Likely pathogenic for Hereditary spherocytosis type 1. Last evaluated: 2023-04-25. Review status: criteria provided, single submitter. Criteria: ACMG Guidelines, 2015. Collection method: clinical testing. Allele origin: germline.

NM_000037.4(ANK1):c.5500C>T (p.Gln1834Ter)

Gene: ANK1 (ankyrin 1; minus strand). Cytogenetic location: 8p11.21.
Variant type: single nucleotide variant.
Coding change: c.5500C>T on transcript NM_000037.4 (MANE Select); coding-DNA position 5500, C replaced by T.
Protein change: p.Gln1834Ter; replaces glutamine 1834 with a stop codon.
Molecular consequence: nonsense. On other transcripts: intron variant (1).
Genome position (GRCh38, 1-based): chr8:41,661,920, G>A on the plus strand (C>T on the coding strand, the complement: ANK1 is on the minus strand). VCF-style: chr8-41661920-G-A. GRCh37 (hg19) VCF-style: chr8-41519438-G-A.
Other names: c.325C>T, p.Gln109Ter (NM_001142445.2, NM_020478.5); c.5623C>T, p.Gln1875Ter (NM_001142446.2); c.5500C>T, p.Gln1834Ter (NM_020475.3, NM_020476.3); c.5014C>T, p.Gln1672Ter (NM_020477.3); c.303+1739C>T (NM_020480.5); short protein forms Q109*, Q1672*, Q1834*, Q1875*.
Identifiers: ClinVar variation 2690514 (VCV002690514.3), dbSNP rs1218976308, ClinGen allele CA371047223.